The following is an entry in ClinVar:

NM_015338.6(ASXL1):c.1283A>C (p.Gln428Pro)

Gene: ASXL1 (ASXL transcriptional regulator 1; plus strand). Cytogenetic location: 20q11.21.
Variant type: single nucleotide variant.
Coding change: c.1283A>C on transcript NM_015338.6 (MANE Select); coding-DNA position 1283, A replaced by C.
Protein change: p.Gln428Pro; replaces glutamine 428 with proline.
Molecular consequence: missense variant.
Genome position (GRCh38, 1-based): chr20:32,433,481, A>C. VCF-style: chr20-32433481-A-C. GRCh37 (hg19) VCF-style: chr20-31021284-A-C.
Other names: c.1100A>C, p.Gln367Pro (NM_001363734.1); short protein forms Q428P, Q367P.
Identifiers: ClinVar variation 4587905 (VCV004587905.1).

ClinVar aggregate classification (germline): Uncertain significance (1 of 4 stars; one submission).

Conditions:
Inborn genetic diseases. Identifiers: MedGen C0950123, MeSH D030342.

Submission:

Ambry Genetics
Classification: Uncertain significance for Inborn genetic diseases. Last evaluated: 2025-10-16. Review status: criteria provided, single submitter. Criteria: Ambry Variant Classification Scheme 2023. Collection method: clinical testing. Allele origin: germline.
Comment: The p.Q428P variant (also known as c.1283A>C), located in coding exon 12 of the ASXL1 gene, results from an A to C substitution at nucleotide position 1283. The glutamine at codon 428 is replaced by proline, an amino acid with similar properties. This amino acid position is conserved. In addition, this alteration is predicted to be tolerated by in silico analysis. Based on the available evidence, the clinical significance of this variant remains unclear.